The following continues an entry in ClinVar:

NM_031443.4(CCM2):c.915G>A (p.Thr305=)

Gene: CCM2. ClinVar aggregate classification (germline): Benign. Benign (8).

Submissions 65 to 99 of 99:

Dr. Peter K. Rogan Lab, Western University
No classification provided (evidence only). Condition: Nonpapillary renal cell carcinoma. Review status: no classification provided. Collection method: in vitro. Allele origin: not applicable. Functional consequence: retained intron. Not counted in ClinVar's aggregate classification.

Dr. Peter K. Rogan Lab, Western University
No classification provided (evidence only). Condition: Nonpapillary renal cell carcinoma. Review status: no classification provided. Collection method: in vitro. Allele origin: not applicable. Functional consequence: retained intron. Not counted in ClinVar's aggregate classification.

Dr. Peter K. Rogan Lab, Western University
No classification provided (evidence only). Condition: Hepatocellular carcinoma. Review status: no classification provided. Collection method: in vitro. Allele origin: not applicable. Functional consequence: retained intron. Not counted in ClinVar's aggregate classification.

Dr. Peter K. Rogan Lab, Western University
No classification provided (evidence only). Condition: Hepatocellular carcinoma. Review status: no classification provided. Collection method: in vitro. Allele origin: not applicable. Functional consequence: retained intron. Not counted in ClinVar's aggregate classification.

Dr. Peter K. Rogan Lab, Western University
No classification provided (evidence only). Condition: Hepatocellular carcinoma. Review status: no classification provided. Collection method: in vitro. Allele origin: not applicable. Functional consequence: retained intron. Not counted in ClinVar's aggregate classification.

Dr. Peter K. Rogan Lab, Western University
No classification provided (evidence only). Condition: Hepatocellular carcinoma. Review status: no classification provided. Collection method: in vitro. Allele origin: not applicable. Functional consequence: retained intron. Not counted in ClinVar's aggregate classification.

Dr. Peter K. Rogan Lab, Western University
No classification provided (evidence only). Condition: Hepatocellular carcinoma. Review status: no classification provided. Collection method: in vitro. Allele origin: not applicable. Functional consequence: retained intron. Not counted in ClinVar's aggregate classification.

Dr. Peter K. Rogan Lab, Western University
No classification provided (evidence only). Condition: Hepatocellular carcinoma. Review status: no classification provided. Collection method: in vitro. Allele origin: not applicable. Functional consequence: retained intron. Not counted in ClinVar's aggregate classification.

Dr. Peter K. Rogan Lab, Western University
No classification provided (evidence only). Condition: Hepatocellular carcinoma. Review status: no classification provided. Collection method: in vitro. Allele origin: not applicable. Functional consequence: retained intron. Not counted in ClinVar's aggregate classification.

Dr. Peter K. Rogan Lab, Western University
No classification provided (evidence only). Condition: Hepatocellular carcinoma. Review status: no classification provided. Collection method: in vitro. Allele origin: not applicable. Functional consequence: retained intron. Not counted in ClinVar's aggregate classification.

Dr. Peter K. Rogan Lab, Western University
No classification provided (evidence only). Condition: Hepatocellular carcinoma. Review status: no classification provided. Collection method: in vitro. Allele origin: not applicable. Functional consequence: retained intron. Not counted in ClinVar's aggregate classification.

Dr. Peter K. Rogan Lab, Western University
No classification provided (evidence only). Condition: Hepatocellular carcinoma. Review status: no classification provided. Collection method: in vitro. Allele origin: not applicable. Functional consequence: retained intron. Not counted in ClinVar's aggregate classification.

Dr. Peter K. Rogan Lab, Western University
No classification provided (evidence only). Condition: Hepatocellular carcinoma. Review status: no classification provided. Collection method: in vitro. Allele origin: not applicable. Functional consequence: retained intron. Not counted in ClinVar's aggregate classification.

Dr. Peter K. Rogan Lab, Western University
No classification provided (evidence only). Condition: Hepatocellular carcinoma. Review status: no classification provided. Collection method: in vitro. Allele origin: not applicable. Functional consequence: retained intron. Not counted in ClinVar's aggregate classification.

Dr. Peter K. Rogan Lab, Western University
No classification provided (evidence only). Condition: Hepatocellular carcinoma. Review status: no classification provided. Collection method: in vitro. Allele origin: not applicable. Functional consequence: retained intron. Not counted in ClinVar's aggregate classification.

Dr. Peter K. Rogan Lab, Western University
No classification provided (evidence only). Condition: Hepatocellular carcinoma. Review status: no classification provided. Collection method: in vitro. Allele origin: not applicable. Functional consequence: retained intron. Not counted in ClinVar's aggregate classification.

Dr. Peter K. Rogan Lab, Western University
No classification provided (evidence only). Condition: Hepatocellular carcinoma. Review status: no classification provided. Collection method: in vitro. Allele origin: not applicable. Functional consequence: retained intron. Not counted in ClinVar's aggregate classification.

Dr. Peter K. Rogan Lab, Western University
No classification provided (evidence only). Condition: Ovarian cancer. Review status: no classification provided. Collection method: in vitro. Allele origin: not applicable. Functional consequence: retained intron. Not counted in ClinVar's aggregate classification.

Dr. Peter K. Rogan Lab, Western University
No classification provided (evidence only). Condition: Ovarian cancer. Review status: no classification provided. Collection method: in vitro. Allele origin: not applicable. Functional consequence: retained intron. Not counted in ClinVar's aggregate classification.

Dr. Peter K. Rogan Lab, Western University
No classification provided (evidence only). Condition: Ovarian cancer. Review status: no classification provided. Collection method: in vitro. Allele origin: not applicable. Functional consequence: retained intron. Not counted in ClinVar's aggregate classification.

Dr. Peter K. Rogan Lab, Western University
No classification provided (evidence only). Condition: Ovarian cancer. Review status: no classification provided. Collection method: in vitro. Allele origin: not applicable. Functional consequence: retained intron. Not counted in ClinVar's aggregate classification.

Dr. Peter K. Rogan Lab, Western University
No classification provided (evidence only). Condition: Ovarian cancer. Review status: no classification provided. Collection method: in vitro. Allele origin: not applicable. Functional consequence: retained intron. Not counted in ClinVar's aggregate classification.

Dr. Peter K. Rogan Lab, Western University
No classification provided (evidence only). Condition: Ovarian cancer. Review status: no classification provided. Collection method: in vitro. Allele origin: not applicable. Functional consequence: retained intron. Not counted in ClinVar's aggregate classification.

Dr. Peter K. Rogan Lab, Western University
No classification provided (evidence only). Condition: Ovarian cancer. Review status: no classification provided. Collection method: in vitro. Allele origin: not applicable. Functional consequence: retained intron. Not counted in ClinVar's aggregate classification.

Dr. Peter K. Rogan Lab, Western University
No classification provided (evidence only). Condition: Ovarian cancer. Review status: no classification provided. Collection method: in vitro. Allele origin: not applicable. Functional consequence: retained intron. Not counted in ClinVar's aggregate classification.

Dr. Peter K. Rogan Lab, Western University
No classification provided (evidence only). Condition: Ovarian cancer. Review status: no classification provided. Collection method: in vitro. Allele origin: not applicable. Functional consequence: retained intron. Not counted in ClinVar's aggregate classification.

Dr. Peter K. Rogan Lab, Western University
No classification provided (evidence only). Condition: Ovarian cancer. Review status: no classification provided. Collection method: in vitro. Allele origin: not applicable. Functional consequence: retained intron. Not counted in ClinVar's aggregate classification.

Dr. Peter K. Rogan Lab, Western University
No classification provided (evidence only). Condition: Ovarian cancer. Review status: no classification provided. Collection method: in vitro. Allele origin: not applicable. Functional consequence: retained intron. Not counted in ClinVar's aggregate classification.

Dr. Peter K. Rogan Lab, Western University
No classification provided (evidence only). Condition: Ovarian cancer. Review status: no classification provided. Collection method: in vitro. Allele origin: not applicable. Functional consequence: retained intron. Not counted in ClinVar's aggregate classification.

Dr. Peter K. Rogan Lab, Western University
No classification provided (evidence only). Condition: Ovarian cancer. Review status: no classification provided. Collection method: in vitro. Allele origin: not applicable. Functional consequence: retained intron. Not counted in ClinVar's aggregate classification.

Dr. Peter K. Rogan Lab, Western University
No classification provided (evidence only). Condition: Ovarian cancer. Review status: no classification provided. Collection method: in vitro. Allele origin: not applicable. Functional consequence: retained intron. Not counted in ClinVar's aggregate classification.

Dr. Peter K. Rogan Lab, Western University
No classification provided (evidence only). Condition: Ovarian cancer. Review status: no classification provided. Collection method: in vitro. Allele origin: not applicable. Functional consequence: retained intron. Not counted in ClinVar's aggregate classification.

Dr. Peter K. Rogan Lab, Western University
No classification provided (evidence only). Condition: Ovarian cancer. Review status: no classification provided. Collection method: in vitro. Allele origin: not applicable. Functional consequence: retained intron. Not counted in ClinVar's aggregate classification.

Dr. Peter K. Rogan Lab, Western University
No classification provided (evidence only). Condition: Ovarian cancer. Review status: no classification provided. Collection method: in vitro. Allele origin: not applicable. Functional consequence: retained intron. Not counted in ClinVar's aggregate classification.

Dr. Peter K. Rogan Lab, Western University
No classification provided (evidence only). Condition: Ovarian cancer. Review status: no classification provided. Collection method: in vitro. Allele origin: not applicable. Functional consequence: retained intron. Not counted in ClinVar's aggregate classification.